The following is an entry in ClinVar:

ClinVar aggregate classification (germline): Uncertain significance (1 of 4 stars; one submission).

Submission:

GeneDx
Classification: Uncertain significance. Last evaluated: 2025-03-06. Review status: criteria provided, single submitter. Criteria: GeneDx Variant Classification Process June 2021. Collection method: clinical testing. Allele origin: germline. Affected: yes.
Comment: Not observed at significant frequency in large population cohorts (gnomAD); In silico analysis supports that this missense variant has a deleterious effect on protein structure/function; Has not been previously published as pathogenic or benign to our knowledge

NM_014975.3(MAST1):c.3485G>T (p.Ser1162Ile)

Gene: MAST1 (microtubule associated serine/threonine kinase 1; plus strand). Cytogenetic location: 19p13.13.
Variant type: single nucleotide variant.
Coding change: c.3485G>T on transcript NM_014975.3 (MANE Select); coding-DNA position 3485, G replaced by T.
Protein change: p.Ser1162Ile; replaces serine 1162 with isoleucine.
Molecular consequence: missense variant.
Genome position (GRCh38, 1-based): chr19:12,873,642, G>T. VCF-style: chr19-12873642-G-T. GRCh37 (hg19) VCF-style: chr19-12984456-G-T.
Other names: short protein forms S1162I.
Identifiers: ClinVar variation 4082876 (VCV004082876.1).